The following is an entry in ClinVar:

ClinVar aggregate classification (germline): Uncertain significance (1 of 4 stars; one submission).

Conditions:
Dilated cardiomyopathy 1W (CMD1W). Identifiers: Orphanet 154, MedGen C1969639, MONDO:0012667, OMIM 611407.

Submission:

Labcorp Genetics (formerly Invitae), Labcorp
Classification: Uncertain significance for Dilated cardiomyopathy 1W. Last evaluated: 2023-08-16. Review status: criteria provided, single submitter. Criteria: Invitae Variant Classification Sherloc (09022015). Collection method: clinical testing. Allele origin: germline.
Comment: An algorithm developed to predict the effect of missense changes on protein structure and function (PolyPhen-2) suggests that this variant is likely to be tolerated. This variant has not been reported in the literature in individuals affected with VCL-related conditions. This variant is not present in population databases (gnomAD no frequency). This sequence change replaces glutamine, which is neutral and polar, with leucine, which is neutral and non-polar, at codon 90 of the VCL protein (p.Gln90Leu). In summary, the available evidence is currently insufficient to determine the role of this variant in disease. Therefore, it has been classified as a Variant of Uncertain Significance.

NM_014000.3(VCL):c.269A>T (p.Gln90Leu)

Gene: VCL (vinculin; plus strand). Cytogenetic location: 10q22.2.
Variant type: single nucleotide variant.
Coding change: c.269A>T on transcript NM_014000.3 (MANE Select); coding-DNA position 269, A replaced by T.
Protein change: p.Gln90Leu; replaces glutamine 90 with leucine.
Molecular consequence: missense variant.
Genome position (GRCh38, 1-based): chr10:74,070,699, A>T. VCF-style: chr10-74070699-A-T. GRCh37 (hg19) VCF-style: chr10-75830457-A-T.
Other names: c.269A>T, p.Gln90Leu (NM_003373.4); short protein forms Q90L.
Identifiers: ClinVar variation 2861181 (VCV002861181.3), dbSNP rs1467598973, ClinGen allele CA377265749.